The following is an entry in ClinVar:

ClinVar aggregate classification (germline): Likely benign. Review status: criteria provided, multiple submitters, no conflicts (2 of 4 stars). 2 submissions from 2 submitters: Likely benign (2). Last evaluated 2024-08-12.

Conditions:
Parkinsonism-dystonia, infantile. Identifiers: Orphanet 238455, MedGen C2751067, MONDO:0013150.

Allele frequency attached by ClinVar (database versions not stated): gnomAD 0.00005 and 0.00006; ExAC 0.00006; TOPMed 0.00007; gnomAD exomes 0.00009; 1000 Genomes Project 0.00020; 1000 Genomes Project 30x 0.00031.
gnomAD v4.1: 118 of 1,612,914 alleles (0.0073%); highest among the groups gnomAD compares: Middle Eastern, 0.033%; no homozygotes.

Submissions (2):

Labcorp Genetics (formerly Invitae), Labcorp
Classification: Likely benign for Parkinsonism-dystonia, infantile. Last evaluated: 2024-08-12. Review status: criteria provided, single submitter. Criteria: Invitae Variant Classification Sherloc (09022015). Collection method: clinical testing. Allele origin: germline.

CeGaT Center for Human Genetics Tuebingen
Classification: Likely benign. Last evaluated: 2023-06-01. Review status: criteria provided, single submitter. Criteria: CeGaT Center For Human Genetics Tuebingen Variant Classification Criteria Version 2. Collection method: clinical testing. Allele origin: germline. Affected: yes. Observed: 2 variant alleles.
Comment: SLC6A3: BP4, BP7

NM_001044.5(SLC6A3):c.1038G>A (p.Ala346=)

Gene: SLC6A3 (solute carrier family 6 member 3). Cytogenetic location: 5p15.33.
Variant type: single nucleotide variant.
Coding change: c.1038G>A on transcript NM_001044.5 (MANE Select); coding-DNA position 1038, G replaced by A.
Protein change: p.Ala346=; no amino-acid change (alanine 346 retained).
Molecular consequence: synonymous variant.
Genome position (GRCh38, 1-based): chr5:1,414,809, C>T on the plus strand (G>A on the coding strand, the complement: SLC6A3 is on the minus strand). VCF-style: chr5-1414809-C-T. GRCh37 (hg19) VCF-style: chr5-1414924-C-T.
Identifiers: ClinVar variation 538070 (VCV000538070.46), dbSNP rs111362222, ClinGen allele CA3186172.